The following is an entry in ClinVar:

ClinVar aggregate classification (germline): Uncertain significance. Review status: criteria provided, multiple submitters, no conflicts (2 of 4 stars). 5 submissions from 5 submitters: Uncertain significance (5). Last evaluated 2025-10-26.

Conditions:
Hereditary cancer-predisposing syndrome. Also called: Hereditary neoplastic syndrome; Tumor predisposition; Neoplastic Syndromes, Hereditary; Hereditary Cancer Syndrome. Identifiers: Orphanet 140162, MedGen C0027672, MeSH D009386, MONDO:0015356.
Familial cancer of breast. Also called: Hereditary breast cancer; BREAST CANCER, FAMILIAL; hereditary breast carcinoma. Identifiers: Orphanet 227535, MedGen C0346153, MONDO:0016419, OMIM 114480. Disease mechanism: loss of function.

gnomAD v4.1: 4 of 1,614,146 alleles (0.00025%); highest among the groups gnomAD compares: Non-Finnish European, 0.00034%; no homozygotes.

Submissions (5):

Labcorp Genetics (formerly Invitae), Labcorp
Classification: Uncertain significance for Familial cancer of breast. Last evaluated: 2025-10-26. Review status: criteria provided, single submitter. Criteria: Invitae Variant Classification Sherloc (09022015). Collection method: clinical testing. Allele origin: germline.
Comment: This sequence change replaces alanine, which is neutral and non-polar, with serine, which is neutral and polar, at codon 721 of the BARD1 protein (p.Ala721Ser). This variant is not present in population databases (gnomAD no frequency). This variant has not been reported in the literature in individuals affected with BARD1-related conditions. ClinVar contains an entry for this variant (Variation ID: 419398). An algorithm developed to predict the effect of missense changes on protein structure and function outputs the following: PolyPhen-2: "Possibly Damaging". The serine amino acid residue is found in multiple mammalian species, which suggests that this missense change does not adversely affect protein function. In summary, the available evidence is currently insufficient to determine the role of this variant in disease. Therefore, it has been classified as a Variant of Uncertain Significance.

Ambry Genetics
Classification: Uncertain significance for Hereditary cancer-predisposing syndrome. Last evaluated: 2025-10-14. Review status: criteria provided, single submitter. Criteria: Ambry Variant Classification Scheme 2023. Collection method: clinical testing. Allele origin: germline.
Comment: The p.A721S variant (also known as c.2161G>T), located in coding exon 11 of the BARD1 gene, results from a G to T substitution at nucleotide position 2161. The alanine at codon 721 is replaced by serine, an amino acid with similar properties. This amino acid position is well conserved in available vertebrate species. In addition, this alteration is predicted to be tolerated by in silico analysis. Since supporting evidence is limited at this time, the clinical significance of this alteration remains unclear.

Center for Genomic Medicine, Rigshospitalet, Copenhagen University Hospital
Classification: Uncertain significance. Last evaluated: 2025-03-04. Review status: criteria provided, single submitter. Criteria: ACMG Guidelines, 2015. Collection method: clinical testing. Allele origin: germline.

Color Diagnostics, LLC DBA Color Health
Classification: Uncertain significance for Hereditary cancer-predisposing syndrome. Last evaluated: 2020-01-15. Review status: criteria provided, single submitter. Criteria: ACMG Guidelines, 2015. Collection method: clinical testing. Allele origin: germline.
Comment: This missense variant replaces alanine with serine at codon 721 of the BARD1 protein. Computational prediction suggests that this variant may not impact protein structure and function (internally defined REVEL score threshold <= 0.5, PMID: 27666373). Splice site prediction tools suggest that this variant may not impact RNA splicing. To our knowledge, functional studies have not been performed for this variant. This variant has not been reported in individuals affected with hereditary cancer in the literature. This variant has not been identified in the general population by the Genome Aggregation Database (gnomAD). The available evidence is insufficient to determine the role of this variant in disease conclusively. Therefore, this variant is classified as a Variant of Uncertain Significance.

GeneDx
Classification: Uncertain significance. Last evaluated: 2015-07-16. Review status: criteria provided, single submitter. Criteria: GeneDx Variant Classification (06012015). Collection method: clinical testing. Allele origin: germline. Affected: yes.
Comment: This variant is denoted BARD1 c.2161G>T at the cDNA level, p.Ala721Ser (A721S) at the protein level, and results in the change of an Alanine to a Serine (GCA>TCA). This variant has not, to our knowledge, been published in the literature as pathogenic or benign. BARD1 Ala721Ser was not observed in approximately 6,500 individuals of European and African American ancestry in the NHLBI Exome Sequencing Project, indicating it is not a common benign variant in these populations. Since Alanine and Serine differ in polarity, charge, size or other properties, this is considered a non-conservative amino acid substitution. BARD1 Ala721Ser occurs at a position that is not conserved and is located in the 2nd BRCT domain (UniProt). In silico analyses are inconsistent regarding the effect this variant may have on protein structure and function. Based on currently available information, it is unclear whether BARD1 Ala721Ser is pathogenic or benign. We consider it to be a variant of uncertain significance.

NM_000465.4(BARD1):c.2161G>T (p.Ala721Ser)

Gene: BARD1 (BRCA1 associated RING domain 1; minus strand). Cytogenetic location: 2q35.
Variant type: single nucleotide variant.
Coding change: c.2161G>T on transcript NM_000465.4 (MANE Select); coding-DNA position 2161, G replaced by T.
Protein change: p.Ala721Ser; replaces alanine 721 with serine.
Molecular consequence: missense variant. On other transcripts: non-coding transcript variant (3).
Genome position (GRCh38, 1-based): chr2:214,728,849, C>A on the plus strand (G>T on the coding strand, the complement: BARD1 is on the minus strand). VCF-style: chr2-214728849-C-A. GRCh37 (hg19) VCF-style: chr2-215593573-C-A.
Other names: c.2104G>T, p.Ala702Ser (NM_001282543.2); c.808G>T, p.Ala270Ser (NM_001282545.2); c.751G>T, p.Ala251Ser (NM_001282548.2); c.622G>T, p.Ala208Ser (NM_001282549.2); short protein forms A721S, A208S, A251S, A270S, A702S.
Identifiers: ClinVar variation 419398 (VCV000419398.21), dbSNP rs554708247, ClinGen allele CA16617425.
Genomic context (GRCh38, chr2:214,728,849, plus strand): 5'-CTTCATAGATGATATACTGTGTGCAGAAGCGCTGATCAGAATCGGGTCTCGCATGGTATG[C>A]GACTGTATTGATGGTCTGAGTCACGTCACTGTCTGGCTTGGGCTTTCTACTGAGGATCTG-3'
Protein context (NP_000456.2, residues 711-731): SDVTQTINTV[Ala721Ser]YHARPDSDQR